The following is an entry in ClinVar:

NM_004360.5(CDH1):c.553G>A (p.Glu185Lys)

Gene: CDH1 (cadherin 1; plus strand). Cytogenetic location: 16q22.1.
Variant type: single nucleotide variant.
Coding change: c.553G>A on transcript NM_004360.5 (MANE Select); coding-DNA position 553, G replaced by A.
Protein change: p.Glu185Lys; replaces glutamic acid 185 with lysine.
Molecular consequence: missense variant. On other transcripts: 5 prime UTR variant (2).
Genome position (GRCh38, 1-based): chr16:68,808,714, G>A. VCF-style: chr16-68808714-G-A. GRCh37 (hg19) VCF-style: chr16-68842617-G-A.
Other names: c.553G>A, p.Glu185Lys (NM_001317184.2); c.-1063G>A (NM_001317185.2); c.-1267G>A (NM_001317186.2); short protein forms E185K.
Identifiers: ClinVar variation 3488665 (VCV003488665.1).
Genomic context (GRCh38, chr16:68,808,714, plus strand): 5'-CCTTCTTTACTAATTCTTTTTCTTTCATTTTGTCTTCAGATCAAATCCAACAAAGACAAA[G>A]AAGGCAAGGTTTTCTACAGCATCACTGGCCAAGGAGCTGACACACCCCCTGTTGGTGTCT-3'
Protein context (NP_004351.1, residues 175-195): LVQIKSNKDK[Glu185Lys]GKVFYSITGQ

ClinVar aggregate classification (germline): Uncertain significance (1 of 4 stars; one submission).

Conditions:
Hereditary cancer-predisposing syndrome. Also called: Tumor predisposition; Neoplastic Syndromes, Hereditary; Hereditary Cancer Syndrome; Hereditary neoplastic syndrome. Identifiers: Orphanet 140162, MedGen C0027672, MeSH D009386, MONDO:0015356.

Submission:

Ambry Genetics
Classification: Uncertain significance for Hereditary cancer-predisposing syndrome. Last evaluated: 2024-10-31. Review status: criteria provided, single submitter. Criteria: Ambry Variant Classification Scheme 2023. Collection method: clinical testing. Allele origin: germline.
Comment: The p.E185K variant (also known as c.553G>A), located in coding exon 5 of the CDH1 gene, results from a G to A substitution at nucleotide position 553. The glutamic acid at codon 185 is replaced by lysine, an amino acid with similar properties. This amino acid position is well conserved in available vertebrate species. In addition, this alteration is predicted to be tolerated by in silico analysis. Based on the available evidence, the clinical significance of this variant remains unclear.